The following is an entry in ClinVar:

NM_000384.3(APOB):c.8258C>G (p.Pro2753Arg)

Gene: APOB (apolipoprotein B; minus strand). Cytogenetic location: 2p24.1.
Variant type: single nucleotide variant.
Coding change: c.8258C>G on transcript NM_000384.3 (MANE Select); coding-DNA position 8258, C replaced by G.
Protein change: p.Pro2753Arg; replaces proline 2753 with arginine.
Molecular consequence: missense variant.
Genome position (GRCh38, 1-based): chr2:21,008,610, G>C on the plus strand (C>G on the coding strand, the complement: APOB is on the minus strand). VCF-style: chr2-21008610-G-C. GRCh37 (hg19) VCF-style: chr2-21231482-G-C.
Other names: short protein forms P2753R.
Identifiers: ClinVar variation 924111 (VCV000924111.11), dbSNP rs765290152, ClinGen allele CA065479.
Genomic context (GRCh38, chr2:21,008,610, plus strand): 5'-GCATCTAATGTGAAAAGAGGAGATTGGATTTTCAGAATACTGTATAGCTTGCCAAAAGTA[G>C]GTACTTCAATTGTGTGTGAGATGTGGGGAAGCTGGAATTCTGGTATGTGAAGGTCAGGAA-3'
Protein context (NP_000375.3, residues 2743-2763): LPHISHTIEV[Pro2753Arg]TFGKLYSILK

ClinVar aggregate classification (germline): Conflicting classifications of pathogenicity. Review status: criteria provided, conflicting classifications (1 of 4 stars). 3 submissions from 3 submitters: Uncertain significance (2); Likely benign (1). Last evaluated 2025-03-14.

Conditions:
Cardiovascular phenotype. Identifiers: MedGen CN230736.
Familial hypobetalipoproteinemia 1. Also called: Hypobetalipoproteinemia, normotriglyceridemic; Acanthocytosis with hypobetalipoproteinemia; APOB-Related Familial Hypobetalipoproteinemia. Identifiers: MedGen C4551990, MONDO:0014252, OMIM 615558.
Hypercholesterolemia, autosomal dominant, type B (FHCL2). Also called: Familial Hypercholesterolemia Type B; HYPERCHOLESTEROLEMIA, FAMILIAL, DUE TO LIGAND-DEFECTIVE APOLIPOPROTEIN B; Familial hypercholesterolemia 2; APOB-Related Familial Hypercholesterolemia, Autosomal Dominant; APOLIPOPROTEIN B-100, FAMILIAL DEFECTIVE; APOLIPOPROTEIN B-100, FAMILIAL LIGAND-DEFECTIVE. Identifiers: MedGen C1704417, MONDO:0007751, OMIM 144010.

Allele frequency attached by ClinVar (database versions not stated): TOPMed 0.00005; gnomAD exomes 0.00003; ExAC 0.00004.
gnomAD v4.1: 19 of 1,613,950 alleles (0.0012%); highest among the groups gnomAD compares: Middle Eastern, 0.016%; no homozygotes.

Submissions (3):

Ambry Genetics
Classification: Uncertain significance for Cardiovascular phenotype. Last evaluated: 2025-03-14. Review status: criteria provided, single submitter. Criteria: Ambry Variant Classification Scheme 2023. Collection method: clinical testing. Allele origin: germline.
Comment: The p.P2753R variant (also known as c.8258C>G), located in coding exon 26 of the APOB gene, results from a C to G substitution at nucleotide position 8258. The proline at codon 2753 is replaced by arginine, an amino acid with dissimilar properties. This amino acid position is highly conserved in available vertebrate species. In addition, the in silico prediction for this alteration is inconclusive. Since supporting evidence is limited at this time, the clinical significance of this alteration remains unclear.

Labcorp Genetics (formerly Invitae), Labcorp
Classification: Likely benign for Familial hypobetalipoproteinemia 1; Hypercholesterolemia, autosomal dominant, type B. Last evaluated: 2024-04-12. Review status: criteria provided, single submitter. Criteria: Invitae Variant Classification Sherloc (09022015). Collection method: clinical testing. Allele origin: germline.

Fulgent Genetics
Classification: Uncertain significance for Hypercholesterolemia, autosomal dominant, type B; Familial hypobetalipoproteinemia 1. Last evaluated: 2021-12-15. Review status: criteria provided, single submitter. Criteria: ACMG Guidelines, 2015. Collection method: clinical testing. Allele origin: unknown.